The following is an entry in ClinVar:

NM_213599.3(ANO5):c.1088G>A (p.Trp363Ter)

Gene: ANO5 (anoctamin 5; plus strand). Cytogenetic location: 11p14.3.
Variant type: single nucleotide variant.
Coding change: c.1088G>A on transcript NM_213599.3 (MANE Select); coding-DNA position 1088, G replaced by A.
Protein change: p.Trp363Ter; replaces tryptophan 363 with a stop codon.
Molecular consequence: nonsense.
Genome position (GRCh38, 1-based): chr11:22,250,815, G>A. VCF-style: chr11-22250815-G-A. GRCh37 (hg19) VCF-style: chr11-22272361-G-A.
Other names: c.1085G>A, p.Trp362Ter (NM_001142649.2); short protein forms W363*, W362*.
Identifiers: ClinVar variation 504242 (VCV000504242.9), dbSNP rs1554929301, ClinGen allele CA379921112.

ClinVar aggregate classification (germline): Pathogenic/Likely pathogenic. Review status: criteria provided, multiple submitters, no conflicts (2 of 4 stars). 2 submissions from 2 submitters: Pathogenic (1); Likely pathogenic (1). Last evaluated 2025-10-28.

Conditions:
Gnathodiaphyseal dysplasia (GDD). Also called: GNATHODIAPHYSEAL SCLEROSIS; OSTEOGENESIS IMPERFECTA WITH UNUSUAL SKELETAL LESIONS. Identifiers: Orphanet 53697, MedGen C1833736, MONDO:0008151, OMIM 166260.
Autosomal recessive limb-girdle muscular dystrophy type 2L (LGMDR12). Also called: MUSCULAR DYSTROPHY, LIMB-GIRDLE, AUTOSOMAL RECESSIVE 12; Limb-Girdle Muscular Dystrophy R12 Anoctamin-5-Related (LGMD-R12); Limb-girdle muscular dystrophy, type 2L. Identifiers: Orphanet 206549, MedGen C1969785, MONDO:0012652, OMIM 611307.

Allele frequency attached by ClinVar (database versions not stated): gnomAD exomes 0.00001.

Submissions (2):

Labcorp Genetics (formerly Invitae), Labcorp
Classification: Pathogenic for Autosomal recessive limb-girdle muscular dystrophy type 2L; Gnathodiaphyseal dysplasia. Last evaluated: 2025-10-28. Review status: criteria provided, single submitter. Criteria: Invitae Variant Classification Sherloc (09022015). Collection method: clinical testing. Allele origin: germline.
Comment: This sequence change creates a premature translational stop signal (p.Trp363*) in the ANO5 gene. It is expected to result in an absent or disrupted protein product. Loss-of-function variants in ANO5 are known to be pathogenic (PMID: 21186264, 23606453, 25891276, 30919934). This variant is not present in population databases (gnomAD no frequency). This variant has not been reported in the literature in individuals affected with ANO5-related conditions. ClinVar contains an entry for this variant (Variation ID: 504242). For these reasons, this variant has been classified as Pathogenic.

GeneDx
Classification: Likely pathogenic. Last evaluated: 2018-02-02. Review status: criteria provided, single submitter. Criteria: GeneDx Variant Classification (06012015). Collection method: clinical testing. Allele origin: germline. Affected: yes.
Comment: A variant that is likely pathogenic has been identified in the ANO5 gene. The W363X variant is not observed in large population cohorts (Lek et al., 2016). The W363X nonsense variant is predicted to cause loss of normal protein function either through protein truncation or nonsense-mediated mRNA decay. Although this pathogenic variant has not been reported previously to our knowledge, other nonsense variants in the ANO5 gene have been reported in the Human Gene Mutation Database in association with ANO5-related disorders (Stenson et al., 2014). Therefore, this variant is likely pathogenic; however, the possibility that it is benign cannot be excluded.

Literature cited by the submitters: PubMed 21186264 (cited by Labcorp Genetics (formerly Invitae), Labcorp); PubMed 23606453 (cited by Labcorp Genetics (formerly Invitae), Labcorp); PubMed 25891276 (cited by Labcorp Genetics (formerly Invitae), Labcorp); PubMed 30919934 (cited by Labcorp Genetics (formerly Invitae), Labcorp).